The following is an entry in ClinVar:

NM_032447.5(FBN3):c.6800G>C (p.Arg2267Pro)

Gene: FBN3 (fibrillin 3; minus strand). Cytogenetic location: 19p13.2.
Variant type: single nucleotide variant.
Coding change: c.6800G>C on transcript NM_032447.5 (MANE Select); coding-DNA position 6800, G replaced by C.
Protein change: p.Arg2267Pro; replaces arginine 2267 with proline.
Molecular consequence: missense variant.
Genome position (GRCh38, 1-based): chr19:8,086,280, C>G on the plus strand (G>C on the coding strand, the complement: FBN3 is on the minus strand). VCF-style: chr19-8086280-C-G. GRCh37 (hg19) VCF-style: chr19-8151164-C-G.
Other names: c.6800G>C, p.Arg2267Pro (NM_001321431.2); short protein forms R2267P.
Identifiers: ClinVar variation 3277984 (VCV003277984.2).

ClinVar aggregate classification (germline): Uncertain significance. Review status: criteria provided, multiple submitters, no conflicts (2 of 4 stars). 2 submissions from 2 submitters: Uncertain significance (2). Last evaluated 2025-11-15.

gnomAD v4.1: 101 of 1,611,734 alleles (0.0063%); highest among the groups gnomAD compares: Non-Finnish European, 0.0081%; no homozygotes.

Submissions (2):

Labcorp Genetics (formerly Invitae), Labcorp
Classification: Uncertain significance. Last evaluated: 2025-11-15. Review status: criteria provided, single submitter. Criteria: Invitae Variant Classification Sherloc (09022015). Collection method: clinical testing. Allele origin: germline.
Comment: This sequence change replaces arginine, which is basic and polar, with proline, which is neutral and non-polar, at codon 2267 of the FBN3 protein (p.Arg2267Pro). This variant is present in population databases (no rsID available, gnomAD 0.003%). This variant has not been reported in the literature in individuals affected with FBN3-related conditions. ClinVar contains an entry for this variant (Variation ID: 3277984). Invitae Evidence Modeling of protein sequence and biophysical properties (such as structural, functional, and spatial information, amino acid conservation, physicochemical variation, residue mobility, and thermodynamic stability) indicates that this missense variant is expected to disrupt FBN3 protein function with a positive predictive value of 80%. In summary, the available evidence is currently insufficient to determine the role of this variant in disease. Therefore, it has been classified as a Variant of Uncertain Significance.

Ambry Genetics
Classification: Uncertain significance. Last evaluated: 2024-04-04. Review status: criteria provided, single submitter. Criteria: Ambry Variant Classification Scheme 2023. Collection method: clinical testing. Allele origin: germline.